The following is an entry in ClinVar:

NM_138395.4(MARS2):c.539C>T (p.Ala180Val)

Gene: MARS2 (methionyl-tRNA synthetase 2, mitochondrial; plus strand). Cytogenetic location: 2q33.1.
Variant type: single nucleotide variant.
Coding change: c.539C>T on transcript NM_138395.4 (MANE Select); coding-DNA position 539, C replaced by T.
Protein change: p.Ala180Val; replaces alanine 180 with valine.
Molecular consequence: missense variant.
Genome position (GRCh38, 1-based): chr2:197,705,944, C>T. VCF-style: chr2-197705944-C-T. GRCh37 (hg19) VCF-style: chr2-198570668-C-T.
Other names: short protein forms A180V.
Identifiers: ClinVar variation 2038091 (VCV002038091.4), dbSNP rs1275689235, ClinGen allele CA350212560.

ClinVar aggregate classification (germline): Uncertain significance (1 of 4 stars; one submission).

Submission:

Labcorp Genetics (formerly Invitae), Labcorp
Classification: Uncertain significance. Last evaluated: 2022-05-03. Review status: criteria provided, single submitter. Criteria: Invitae Variant Classification Sherloc (09022015). Collection method: clinical testing. Allele origin: germline.
Comment: In summary, the available evidence is currently insufficient to determine the role of this variant in disease. Therefore, it has been classified as a Variant of Uncertain Significance. Algorithms developed to predict the effect of missense changes on protein structure and function (SIFT, PolyPhen-2, Align-GVGD) all suggest that this variant is likely to be tolerated. This variant has not been reported in the literature in individuals affected with MARS2-related conditions. This variant is not present in population databases (gnomAD no frequency). This sequence change replaces alanine, which is neutral and non-polar, with valine, which is neutral and non-polar, at codon 180 of the MARS2 protein (p.Ala180Val).